The following is an entry in ClinVar:

NM_006648.4(WNK2):c.3083C>T (p.Pro1028Leu)

Gene: WNK2 (WNK lysine deficient protein kinase 2; plus strand). Cytogenetic location: 9q22.31.
Variant type: single nucleotide variant.
Coding change: c.3083C>T on transcript NM_006648.4 (MANE Select); coding-DNA position 3083, C replaced by T.
Protein change: p.Pro1028Leu; replaces proline 1028 with leucine.
Molecular consequence: missense variant.
Genome position (GRCh38, 1-based): chr9:93,261,830, C>T. VCF-style: chr9-93261830-C-T. GRCh37 (hg19) VCF-style: chr9-96024112-C-T.
Other names: c.3083C>T, p.Pro1028Leu (NM_001282394.3); short protein forms P1028L.
Identifiers: ClinVar variation 4866749 (VCV004866749.1).

ClinVar aggregate classification (germline): Uncertain significance (1 of 4 stars; one submission).

gnomAD v4.1: 3 of 1,591,698 alleles (0.00019%); highest among the groups gnomAD compares: African/African-American, 0.0013%; no homozygotes.

Submission:

Ambry Genetics
Classification: Uncertain significance. Last evaluated: 2026-06-08. Review status: criteria provided, single submitter. Criteria: Ambry Variant Classification Scheme 2023. Collection method: clinical testing. Allele origin: germline.
Comment: The p.P1028L variant (also known as c.3083C>T), located in coding exon 12 of the WNK2 gene, results from a C to T substitution at nucleotide position 3083. The proline at codon 1028 is replaced by leucine, an amino acid with similar properties. This amino acid position is conserved. In addition, the in silico prediction for this alteration is inconclusive. Based on the available evidence, the clinical significance of this variant remains unclear.